The following is an entry in ClinVar:

ClinVar aggregate classification (germline): Likely pathogenic (1 of 4 stars; one submission).

Allele frequency attached by ClinVar (database versions not stated): gnomAD exomes below 0.00001.

Submission:

Labcorp Genetics (formerly Invitae), Labcorp
Classification: Likely pathogenic. Last evaluated: 2023-10-22. Review status: criteria provided, single submitter. Criteria: Invitae Variant Classification Sherloc (09022015). Collection method: clinical testing. Allele origin: germline.
Comment: This sequence change affects a splice site in intron 4 of the LIFR gene. It is expected to disrupt RNA splicing. Variants that disrupt the donor or acceptor splice site typically lead to a loss of protein function (PMID: 16199547), and loss-of-function variants in LIFR are known to be pathogenic (PMID: 14740318). This variant is not present in population databases (gnomAD no frequency). This variant has not been reported in the literature in individuals affected with LIFR-related conditions. Algorithms developed to predict the effect of sequence changes on RNA splicing suggest that this variant may disrupt the consensus splice site. In summary, the currently available evidence indicates that the variant is pathogenic, but additional data are needed to prove that conclusively. Therefore, this variant has been classified as Likely Pathogenic.

Literature cited by the submitters: PubMed 16199547; PubMed 14740318.

NM_001127671.2(LIFR):c.398-2_398-1del

Gene: LIFR (LIF receptor subunit alpha; minus strand). Cytogenetic location: 5p13.1.
Variant type: Deletion.
Coding change: c.398-2_398-1del on transcript NM_001127671.2 (MANE Select); the canonical splice acceptor site of the intron before coding-DNA position 398, 2 bases deleted (AG; older notation c.398-2_398-1delAG).
Molecular consequence: splice acceptor variant.
Genome position (GRCh38, 1-based): chr5:38,523,583-38,523,584, CT deleted on the plus strand (AG on the coding strand, the reverse complement: LIFR is on the minus strand). VCF-style (leftmost placement, unchanged base first): chr5-38523582-GCT-G. GRCh37 (hg19) VCF-style: chr5-38523684-GCT-G.
Other names: c.398-2_398-1del (NM_002310.6, NM_001364298.2, NM_001364297.2).
Identifiers: ClinVar variation 2848531 (VCV002848531.3), dbSNP rs2531117312, ClinGen allele CA2673630664.